The following is an entry in ClinVar:

NM_000719.7(CACNA1C):c.1171A>C (p.Ile391Leu)

Gene: CACNA1C (calcium voltage-gated channel subunit alpha1 C; plus strand). Cytogenetic location: 12p13.33.
Variant type: single nucleotide variant.
Coding change: c.1171A>C on transcript NM_000719.7 (MANE Select); coding-DNA position 1171, A replaced by C.
Protein change: p.Ile391Leu; replaces isoleucine 391 with leucine.
Molecular consequence: missense variant. On other transcripts: intron variant (4).
Genome position (GRCh38, 1-based): chr12:2,504,899, A>C. VCF-style: chr12-2504899-A-C. GRCh37 (hg19) VCF-style: chr12-2614065-A-C.
Other names: c.1171A>C, p.Ile391Leu (NM_001129827.2, NM_001129829.2, NM_001129830.3 and 14 more transcripts); c.1162A>C, p.Ile388Leu (NM_001129844.2); c.1217+360A>C (NM_001167624.3, NM_001167623.2, NM_001167625.2 and 1 more transcripts); short protein forms I388L, I391L.
Identifiers: ClinVar variation 1425883 (VCV001425883.6), dbSNP rs1051356, ClinGen allele CA383370927.

ClinVar aggregate classification (germline): Uncertain significance (1 of 4 stars; one submission).

Conditions:
Long QT syndrome (LQTS). Identifiers: MedGen C0023976, MeSH D008133, MONDO:0002442. Disease mechanism: loss of function. Inheritance: Various modes of inheritance.

Allele frequency attached by ClinVar (database versions not stated): gnomAD exomes below 0.00001.
gnomAD v4.1: 1 of 1,606,554 alleles (0.000062%); highest among the groups gnomAD compares: Non-Finnish European, 0.000085%; no homozygotes.

Submission:

Labcorp Genetics (formerly Invitae), Labcorp
Classification: Uncertain significance for Long QT syndrome. Last evaluated: 2021-10-14. Review status: criteria provided, single submitter. Criteria: Invitae Variant Classification Sherloc (09022015). Collection method: clinical testing. Allele origin: germline.
Comment: This variant is not present in population databases (ExAC no frequency). This sequence change replaces isoleucine with leucine at codon 391 of the CACNA1C protein (p.Ile391Leu). The isoleucine residue is moderately conserved and there is a small physicochemical difference between isoleucine and leucine. This variant has not been reported in the literature in individuals affected with CACNA1C-related conditions. Algorithms developed to predict the effect of missense changes on protein structure and function (SIFT, PolyPhen-2, Align-GVGD) all suggest that this variant is likely to be tolerated. In summary, the available evidence is currently insufficient to determine the role of this variant in disease. Therefore, it has been classified as a Variant of Uncertain Significance.